The following is an entry in ClinVar:

ClinVar aggregate classification (germline): Uncertain significance. Review status: criteria provided, multiple submitters, no conflicts (2 of 4 stars). 2 submissions from 2 submitters: Uncertain significance (2). Last evaluated 2024-07-16.

Allele frequency attached by ClinVar (database versions not stated): ExAC 0.00001; gnomAD 0.00001; gnomAD exomes 0.00001; TOPMed 0.00001.

Submissions (2):

Women's Health and Genetics/Laboratory Corporation of America, LabCorp
Classification: Uncertain significance. Last evaluated: 2024-07-16. Review status: criteria provided, single submitter. Criteria: LabCorp Variant Classification Summary - May 2015. Collection method: clinical testing. Allele origin: germline.
Comment: Variant summary: SHOX c.70G>A (p.Gly24Arg) results in a non-conservative amino acid change in the encoded protein sequence. Three of five in-silico tools predict a benign effect of the variant on protein function. The variant allele was found at a frequency of 1.2e-05 in 250888 control chromosomes. The available data on variant occurrences in the general population are insufficient to allow any conclusion about variant significance. c.70G>A has been reported in the literature in at least an individual affected with Short Stature (example: Niesler_2007). These report(s) do not provide unequivocal conclusions about association of the variant with Short Stature. To our knowledge, no experimental evidence demonstrating an impact on protein function has been reported. The following publication has been ascertained in the context of this evaluation (PMID: 17726696). ClinVar contains an entry for this variant (Variation ID: 1685105). Based on the evidence outlined above, the variant was classified as uncertain significance.

Mendelics
Classification: Uncertain significance. Last evaluated: 2022-05-04. Review status: criteria provided, single submitter. Criteria: Mendelics Assertion Criteria 2019. Collection method: clinical testing. Allele origin: germline.

Literature cited by the submitters: PubMed 17726696 (cited by Women's Health and Genetics/Laboratory Corporation of America, LabCorp).

NM_000451.4(SHOX):c.70G>A (p.Gly24Arg)

Gene: SHOX (SHOX homeobox; plus strand). Cytogenetic location: Yp11.2.
Variant type: single nucleotide variant.
Coding change: c.70G>A on transcript NM_000451.4 (MANE Select); coding-DNA position 70, G replaced by A.
Protein change: p.Gly24Arg; replaces glycine 24 with arginine.
Molecular consequence: missense variant.
Genome position (GRCh38, 1-based): chrX:630,967, G>A. VCF-style: chrX-630967-G-A. GRCh37 (hg19) VCF-style: chrX-591702-G-A.
Other names: c.70G>A, p.Gly24Arg (NM_006883.2); short protein forms G24R.
Identifiers: ClinVar variation 1685105 (VCV001685105.2), dbSNP rs761008675, ClinGen allele CA10329840.
Genomic context (GRCh38, chrX:630,967, plus strand): 5'-CTCACGGCTTTTGTATCCAAGTCTTTTGACCAGAAAAGCAAGGACGGTAACGGCGGAGGC[G>A]GAGGCGGCGGAGGTAAGAAGGATTCCATTACGTACCGGGAAGTTTTGGAGAGCGGACTGG-3'
Protein context (NP_000442.1, residues 14-34): QKSKDGNGGG[Gly24Arg]GGGGKKDSIT